The following is an entry in ClinVar:

NM_032273.4(TMEM126A):c.-12A>G

Genes: TMEM126A (transmembrane protein 126A; plus strand), LOC130006551 (ATAC-STARR-seq lymphoblastoid active region 5367; plus strand). Cytogenetic location: 11q14.1.
Variant type: single nucleotide variant.
Coding change: c.-12A>G on transcript NM_032273.4 (MANE Select); 12 bases upstream of the start codon, A replaced by G.
Molecular consequence: 5 prime UTR variant.
Genome position (GRCh38, 1-based): chr11:85,648,085, A>G. VCF-style: chr11-85648085-A-G. GRCh37 (hg19) VCF-style: chr11-85359129-A-G.
Other names: c.-129A>G (NM_001244735.2).
Identifiers: ClinVar variation 508409 (VCV000508409.1), dbSNP rs1555208174, ClinGen allele CA658797712.

ClinVar aggregate classification (germline): Likely benign (1 of 4 stars; one submission).

Allele frequency attached by ClinVar (database versions not stated): gnomAD below 0.00001 and 0.00001; TOPMed below 0.00001.
gnomAD v4.1: 1 of 152,394 alleles (0.00066%); highest among the groups gnomAD compares: South Asian, 0.021%; no homozygotes.

Submission:

GeneDx
Classification: Likely benign. Last evaluated: 2017-03-28. Review status: criteria provided, single submitter. Criteria: GeneDx Variant Classification (06012015). Collection method: clinical testing. Allele origin: germline. Affected: yes.
Comment: This variant is considered likely benign or benign based on one or more of the following criteria: it is a conservative change, it occurs at a poorly conserved position in the protein, it is predicted to be benign by multiple in silico algorithms, and/or has population frequency not consistent with disease.